The following is an entry in ClinVar:

NM_052947.4(ALPK2):c.4025C>T (p.Ser1342Phe)

Genes: ALPK2 (alpha kinase 2; minus strand), LOC126862764 (BRD4-independent group 4 enhancer GRCh37_chr18:56202574-56203773; plus strand). Cytogenetic location: 18q21.31.
Variant type: single nucleotide variant.
Coding change: c.4025C>T on transcript NM_052947.4 (MANE Select); coding-DNA position 4025, C replaced by T.
Protein change: p.Ser1342Phe; replaces serine 1342 with phenylalanine.
Molecular consequence: missense variant.
Genome position (GRCh38, 1-based): chr18:58,536,162, G>A on the plus strand (C>T on the coding strand, the complement: ALPK2 is on the minus strand). VCF-style: chr18-58536162-G-A. GRCh37 (hg19) VCF-style: chr18-56203394-G-A.
Other names: short protein forms S1342F.
Identifiers: ClinVar variation 1737139 (VCV001737139.2), dbSNP rs1252742049, ClinGen allele CA402564715.

ClinVar aggregate classification (germline): Uncertain significance (1 of 4 stars; one submission).

gnomAD v4.1: 1 of 1,614,162 alleles (0.000062%); highest among the groups gnomAD compares: Non-Finnish European, 0.000085%; no homozygotes.

Submission:

Ambry Genetics
Classification: Uncertain significance. Last evaluated: 2022-04-05. Review status: criteria provided, single submitter. Criteria: Ambry Variant Classification Scheme 2023. Collection method: clinical testing. Allele origin: germline.
Comment: The p.S1342F variant (also known as c.4025C>T), located in coding exon 4 of the ALPK2 gene, results from a C to T substitution at nucleotide position 4025. The serine at codon 1342 is replaced by phenylalanine, an amino acid with highly dissimilar properties. This amino acid position is conserved. In addition, this alteration is predicted to be tolerated by in silico analysis. Since supporting evidence is limited at this time, the clinical significance of this alteration remains unclear.